The following is an entry in ClinVar:

NM_000428.3(LTBP2):c.3509del (p.Asn1170fs)

Gene: LTBP2 (latent transforming growth factor beta binding protein 2; minus strand). Cytogenetic location: 14q24.3.
Variant type: Deletion.
Coding change: c.3509del on transcript NM_000428.3 (MANE Select); coding-DNA position 3509, one base deleted (A; older notation c.3509delA).
Protein change: p.Asn1170fs; shifts the reading frame from asparagine 1170.
Molecular consequence: frameshift variant.
Genome position (GRCh38, 1-based): chr14:74,508,847, T deleted on the plus strand (A on the coding strand, the reverse complement: LTBP2 is on the minus strand); the first of 2 consecutive T bases (chr14:74,508,847-74,508,848); deleting either gives the same sequence. VCF-style (leftmost placement, unchanged base first): chr14-74508846-AT-A. GRCh37 (hg19) VCF-style: chr14-74975549-AT-A.
Other names: short protein forms N1170fs.
Identifiers: ClinVar variation 2033728 (VCV002033728.4), dbSNP rs2506136529, ClinGen allele CA2575577255.
Genomic context (GRCh38, chr14:74,508,846, plus strand): 5'-CACTCATGCCCCCCACCCCCAGTAGGGTGACCTGGGTCACTCACCCTCACACACGGTGCC[AT>A]TGGCCAGCTGGAAGCCCTGGGGACAGAGGCACTGGTAGGAGCCCACAGTGTTCTTGCACT-3'

ClinVar aggregate classification (germline): Pathogenic (1 of 4 stars; one submission).

Submission:

Labcorp Genetics (formerly Invitae), Labcorp
Classification: Pathogenic. Last evaluated: 2022-10-08. Review status: criteria provided, single submitter. Criteria: Invitae Variant Classification Sherloc (09022015). Collection method: clinical testing. Allele origin: germline.
Comment: This sequence change creates a premature translational stop signal (p.Asn1170Metfs*8) in the LTBP2 gene. It is expected to result in an absent or disrupted protein product. Loss-of-function variants in LTBP2 are known to be pathogenic (PMID: 19361779, 22025892). This variant is not present in population databases (gnomAD no frequency). This variant has not been reported in the literature in individuals affected with LTBP2-related conditions. For these reasons, this variant has been classified as Pathogenic.

Literature cited by the submitters: PubMed 19361779; PubMed 22025892.